The following is an entry in ClinVar:

NM_001330311.2(DVL1):c.1993G>T (p.Glu665Ter)

Gene: DVL1 (dishevelled segment polarity protein 1; minus strand). Cytogenetic location: 1p36.33.
Variant type: single nucleotide variant.
Coding change: c.1993G>T on transcript NM_001330311.2 (MANE Select); coding-DNA position 1993, G replaced by T.
Protein change: p.Glu665Ter; replaces glutamic acid 665 with a stop codon.
Molecular consequence: nonsense.
Genome position (GRCh38, 1-based): chr1:1,336,237, C>A on the plus strand (G>T on the coding strand, the complement: DVL1 is on the minus strand). VCF-style: chr1-1336237-C-A. GRCh37 (hg19) VCF-style: chr1-1271617-C-A.
Other names: c.1918G>T, p.Glu640Ter (NM_004421.3); short protein forms E640*, E665*.
Identifiers: ClinVar variation 4689393 (VCV004689393.1).

ClinVar aggregate classification (germline): Uncertain significance (1 of 4 stars; one submission).

Submission:

Women's Health and Genetics/Laboratory Corporation of America, LabCorp
Classification: Uncertain significance. Last evaluated: 2026-01-14. Review status: criteria provided, single submitter. Criteria: LabCorp Variant Classification Summary - May 2015. Collection method: clinical testing. Allele origin: germline.
Comment: Variant summary: DVL1 c.1918G>T (p.Glu640X) results in a premature termination codon, predicted to cause a truncation of the encoded protein or absence of the protein due to nonsense mediated decay, however current evidence is not sufficient to establish loss of function as a mechanism for disease. The variant was absent in 157316 control chromosomes. The available data on variant occurrences in the general population are insufficient to allow any conclusion about variant significance. To our knowledge, no occurrence of c.1918G>T in individuals affected with DVL1-related conditions and no experimental evidence demonstrating its impact on protein function have been reported. While numerous frameshift variants have been reported to generate nascent stop codons near the location of the present variant, the literature has not yet defined a result for nonsense variants expected to escape nonsense mediate decay (PMID: 26924530, 25817016, 25817014). No submitters have cited clinical-significance assessments for this variant to ClinVar. Based on the evidence outlined above, the variant was classified as uncertain significance.